The following is an entry in ClinVar:

ClinVar aggregate classification (germline): Pathogenic (1 of 4 stars; one submission).

Conditions:
Intellectual developmental disorder with seizures and language delay (IDDSELD). Identifiers: MedGen C5436574, MONDO:0033559, OMIM 619000.

Submission:

Institute of Human Genetics, University of Leipzig Medical Center
Classification: Pathogenic for Intellectual developmental disorder with seizures and language delay. Last evaluated: 2025-09-01. Review status: criteria provided, single submitter. Criteria: ACMG Guidelines, 2015. Collection method: clinical testing. Allele origin: unknown. Inheritance: Autosomal dominant inheritance. Affected: yes.
Comment: Criteria applied: PVS1,PM2

NM_001353345.2(SETD1B):c.5184_5185del (p.Ser1729_Ala1730insTer)

Gene: SETD1B (SET domain containing 1B, histone lysine methyltransferase; plus strand). Cytogenetic location: 12q24.31.
Variant type: Deletion.
Coding change: c.5184_5185del on transcript NM_001353345.2 (MANE Select); coding-DNA positions 5184 to 5185, 2 bases deleted (TT; older notation c.5184_5185delTT).
Protein change: p.Ser1729_Ala1730insTer.
Molecular consequence: frameshift variant.
Genome position (GRCh38, 1-based): chr12:121,825,213-121,825,214, TT deleted. VCF-style (leftmost placement, unchanged base first): chr12-121825212-CTT-C. GRCh37 (hg19) VCF-style: chr12-122263118-CTT-C.
Identifiers: ClinVar variation 4291101 (VCV004291101.2).